The following is an entry in ClinVar:

ClinVar aggregate classification (germline): Uncertain significance (1 of 4 stars; one submission).

Submission:

Labcorp Genetics (formerly Invitae), Labcorp
Classification: Uncertain significance. Last evaluated: 2025-04-17. Review status: criteria provided, single submitter. Criteria: Invitae Variant Classification Sherloc (09022015). Collection method: clinical testing. Allele origin: germline.
Comment: This sequence change replaces histidine, which is basic and polar, with leucine, which is neutral and non-polar, at codon 37 of the GATAD2B protein (p.His37Leu). This variant is not present in population databases (gnomAD no frequency). This variant has not been reported in the literature in individuals affected with GATAD2B-related conditions. Invitae Evidence Modeling of protein sequence and biophysical properties (such as structural, functional, and spatial information, amino acid conservation, physicochemical variation, residue mobility, and thermodynamic stability) has been performed for this missense variant. However, the output from this modeling did not meet the statistical confidence thresholds required to predict the impact of this variant on GATAD2B protein function. In summary, the available evidence is currently insufficient to determine the role of this variant in disease. Therefore, it has been classified as a Variant of Uncertain Significance.

NM_020699.4(GATAD2B):c.110A>T (p.His37Leu)

Gene: GATAD2B (GATA zinc finger domain containing 2B; minus strand). Cytogenetic location: 1q21.3.
Variant type: single nucleotide variant.
Coding change: c.110A>T on transcript NM_020699.4 (MANE Select); coding-DNA position 110, A replaced by T.
Protein change: p.His37Leu; replaces histidine 37 with leucine.
Molecular consequence: missense variant.
Genome position (GRCh38, 1-based): chr1:153,828,238, T>A on the plus strand (A>T on the coding strand, the complement: GATAD2B is on the minus strand). VCF-style: chr1-153828238-T-A. GRCh37 (hg19) VCF-style: chr1-153800714-T-A.
Other names: short protein forms H37L.
Identifiers: ClinVar variation 4736912 (VCV004736912.1).
Genomic context (GRCh38, chr1:153,828,238, plus strand): 5'-AGATTTGCCAAATCCTTCCTTTTGAGCAATGCCAACATTTTCAGACGTTCCATGGCCTCA[T>A]GCCCCTCCATTTTGAGTCGCTTTGCCAGGACATCATCTCGCTCATCTGCTGGGTCCAAGC-3'
Protein context (NP_065750.1, residues 27-47): VLAKRLKMEG[His37Leu]EAMERLKMLA